The following is an entry in ClinVar:

NM_001080453.3(INTS1):c.755A>G (p.Asn252Ser)

Gene: INTS1 (integrator complex subunit 1; minus strand). Cytogenetic location: 7p22.3.
Variant type: single nucleotide variant.
Coding change: c.755A>G on transcript NM_001080453.3 (MANE Select); coding-DNA position 755, A replaced by G.
Protein change: p.Asn252Ser; replaces asparagine 252 with serine.
Molecular consequence: missense variant.
Genome position (GRCh38, 1-based): chr7:1,499,562, T>C on the plus strand (A>G on the coding strand, the complement: INTS1 is on the minus strand). VCF-style: chr7-1499562-T-C. GRCh37 (hg19) VCF-style: chr7-1539198-T-C.
Other names: short protein forms N252S.
Identifiers: ClinVar variation 3110067 (VCV003110067.2), dbSNP rs763885430, ClinGen allele CA4120652.

ClinVar aggregate classification (germline): Uncertain significance. Review status: criteria provided, multiple submitters, no conflicts (2 of 4 stars). 2 submissions from 2 submitters: Uncertain significance (2). Last evaluated 2023-12-22.

Conditions:
Neurodevelopmental disorder with cataracts, poor growth, and dysmorphic facies. Identifiers: MedGen C5231414, MONDO:0032817, OMIM 618571.
Inborn genetic diseases. Identifiers: MedGen C0950123, MeSH D030342.

Allele frequency attached by ClinVar (database versions not stated): gnomAD exomes below 0.00001; ExAC 0.00001; gnomAD 0.00001; TOPMed 0.00001.
gnomAD v4.1: 8 of 1,613,364 alleles (0.0005%); highest among the groups gnomAD compares: African/African-American, 0.0053%; no homozygotes.

Submissions (2):

Ambry Genetics
Classification: Uncertain significance for Inborn genetic diseases. Last evaluated: 2023-12-22. Review status: criteria provided, single submitter. Criteria: Ambry Variant Classification Scheme 2023. Collection method: clinical testing. Allele origin: germline.

Laboratorio de Genetica e Diagnostico Molecular, Hospital Israelita Albert Einstein
Classification: Uncertain significance for Neurodevelopmental disorder with cataracts, poor growth, and dysmorphic facies. Last evaluated: 2023-06-02. Review status: criteria provided, single submitter. Criteria: ACMG Guidelines, 2015. Collection method: clinical testing. Allele origin: germline. Affected: yes.
Comment: ACMG classification criteria: PM2 moderate